The following is an entry in ClinVar:

NM_000089.4(COL1A2):c.2179G>A (p.Gly727Ser)

Gene: COL1A2 (collagen type I alpha 2 chain; plus strand). Cytogenetic location: 7q21.3.
Variant type: single nucleotide variant.
Coding change: c.2179G>A on transcript NM_000089.4 (MANE Select); coding-DNA position 2179, G replaced by A.
Protein change: p.Gly727Ser; replaces glycine 727 with serine.
Molecular consequence: missense variant.
Genome position (GRCh38, 1-based): chr7:94,420,436, G>A. VCF-style: chr7-94420436-G-A. GRCh37 (hg19) VCF-style: chr7-94049748-G-A.
Other names: short protein forms G727S.
Identifiers: ClinVar variation 4994590 (VCV004994590.1).

ClinVar aggregate classification (germline): Likely pathogenic (1 of 4 stars; one submission).

Conditions:
COL1A2-related disorder. Also called: COL1A2-Related Disorders; COL1A2-related condition.

Submission:

PreventionGenetics, part of Exact Sciences
Classification: Likely pathogenic for COL1A2-related condition. Last evaluated: 2026-05-20. Review status: criteria provided, single submitter. Criteria: ACMG Guidelines, 2015. Collection method: clinical testing. Allele origin: germline.
Comment: The COL1A2 c.2179G>A variant is predicted to result in the amino acid substitution p.Gly727Ser. To our knowledge, this variant has not been reported in the literature or in a large population database (gnomAD), indicating this variant is rare. The p.Gly727 residue is located in the conserved Gly-Xaa-Yaa triple helical domain where substitutions of a glycine are usually pathogenic (Marini et al. 2007. PubMed ID: 17078022). An alternate substitution at this position (p.Gly727Cys) has been reported in a patient with severe early-onset osteoporosis (Peris et al. 2022. PubMed ID: 36396825). This variant is interpreted as likely pathogenic.